The following is an entry in ClinVar:

ClinVar aggregate classification (germline): Likely benign. Review status: criteria provided, multiple submitters, no conflicts (2 of 4 stars). 2 submissions from 2 submitters: Likely benign (2). Last evaluated 2023-11-01.

Conditions:
Hyperammonemia, type III (NAGSD). Also called: Hyperammonemia due to N-acetylglutamate synthase deficiency. Identifiers: Orphanet 927, MedGen C0268543, MONDO:0009377, OMIM 237310.

Allele frequency attached by ClinVar (database versions not stated): gnomAD 0.00001; gnomAD exomes 0.00002.

Submissions (2):

CeGaT Center for Human Genetics Tuebingen
Classification: Likely benign. Last evaluated: 2023-11-01. Review status: criteria provided, single submitter. Criteria: CeGaT Center For Human Genetics Tuebingen Variant Classification Criteria Version 2. Collection method: clinical testing. Allele origin: germline. Affected: yes. Observed: 1 variant allele.
Comment: NAGS: BP4, BP7

Labcorp Genetics (formerly Invitae), Labcorp
Classification: Likely benign for Hyperammonemia, type III. Last evaluated: 2023-04-07. Review status: criteria provided, single submitter. Criteria: Invitae Variant Classification Sherloc (09022015). Collection method: clinical testing. Allele origin: germline.

NM_153006.3(NAGS):c.1047C>T (p.Ala349=)

Gene: NAGS (N-acetylglutamate synthase; plus strand). Cytogenetic location: 17q21.31.
Variant type: single nucleotide variant.
Coding change: c.1047C>T on transcript NM_153006.3 (MANE Select); coding-DNA position 1047, C replaced by T.
Protein change: p.Ala349=; no amino-acid change (alanine 349 retained).
Molecular consequence: synonymous variant.
Genome position (GRCh38, 1-based): chr17:44,006,660, C>T. VCF-style: chr17-44006660-C-T. GRCh37 (hg19) VCF-style: chr17-42084028-C-T.
Identifiers: ClinVar variation 1123058 (VCV001123058.31), dbSNP rs1401837626, ClinGen allele CA500241228.